The following is an entry in ClinVar:

NM_000194.3(HPRT1):c.240T>G (p.Asp80Glu)

Gene: HPRT1 (hypoxanthine phosphoribosyltransferase 1; plus strand). Cytogenetic location: Xq26.2.
Variant type: single nucleotide variant.
Coding change: c.240T>G on transcript NM_000194.3 (MANE Select); coding-DNA position 240, T replaced by G.
Protein change: p.Asp80Glu; replaces aspartic acid 80 with glutamic acid.
Molecular consequence: missense variant.
Genome position (GRCh38, 1-based): chrX:134,475,286, T>G. VCF-style: chrX-134475286-T-G. GRCh37 (hg19) VCF-style: chrX-133609316-T-G.
Other names: short protein forms D80E.
Identifiers: ClinVar variation 1711720 (VCV001711720.30), dbSNP rs2520785581, ClinGen allele CA414712151.

ClinVar aggregate classification (germline): Uncertain significance (1 of 4 stars; one submission).

Submission:

CeGaT Center for Human Genetics Tuebingen
Classification: Uncertain significance. Last evaluated: 2023-05-01. Review status: criteria provided, single submitter. Criteria: CeGaT Center For Human Genetics Tuebingen Variant Classification Criteria Version 2. Collection method: clinical testing. Allele origin: germline. Affected: yes. Observed: 4 variant alleles.
Comment: HPRT1: PM2, PM5, PP3